The following is an entry in ClinVar:

NM_001163560.3(MEIOB):c.191A>T (p.Asn64Ile)

Gene: MEIOB (meiosis specific with OB-fold; minus strand). Cytogenetic location: 16p13.3.
Variant type: single nucleotide variant.
Coding change: c.191A>T on transcript NM_001163560.3 (MANE Select); coding-DNA position 191, A replaced by T.
Protein change: p.Asn64Ile; replaces asparagine 64 with isoleucine.
Molecular consequence: missense variant.
Genome position (GRCh38, 1-based): chr16:1,862,053, T>A on the plus strand (A>T on the coding strand, the complement: MEIOB is on the minus strand). VCF-style: chr16-1862053-T-A. GRCh37 (hg19) VCF-style: chr16-1912054-T-A.
Other names: p.Asn64Ile; c.191A>T, p.Asn64Ile (NM_152764.3); short protein forms N64I.
Identifiers: ClinVar variation 440759 (VCV000440759.4), dbSNP rs1555472691, ClinGen allele CA394246711.

ClinVar aggregate classification (germline): Likely pathogenic. Review status: criteria provided, single submitter (1 of 4 stars). 2 submissions from 2 submitters: Likely pathogenic (1). 1 of the submissions does not count toward it. Last evaluated 2026-07-21.

Conditions:
Spermatogenic failure 22. Identifiers: MedGen C4540179, MONDO:0054726, OMIM 617706.
Premature ovarian failure 1 (POF1). Also called: FMR1-Related Primary Ovarian Insufficiency; Primary ovarian insufficiency, fragile X-associated; FMR1 Primary Ovarian Insufficiency (FXPOI); HYPERGONADOTROPIC OVARIAN FAILURE, X-LINKED; PREMATURE OVARIAN FAILURE, X-LINKED; Fragile x premature ovarian failure. Identifiers: Orphanet 642691, MedGen C4552079, MONDO:0010706, OMIM 311360.

Submissions (2):

Department of Molecular Genetics, Istishari Arab Hospital
Classification: Likely pathogenic for Premature ovarian failure 1. Last evaluated: 2026-07-21. Review status: criteria provided, single submitter. Criteria: ACMG Guidelines, 2015. Collection method: clinical testing. Allele origin: germline. Inheritance: Autosomal recessive inheritance. Affected: yes.
Comment: The MEIOB variant c.191A>T p.Asn64Ile causes an amino acid change from Asn to Ile at position 64. This variant has previously been described as disease-causing for autosomal recessive Spermatogenic failure 22 (PMID: 28206990). It is classified as likely pathogenic according to the recommendations of ACMG/AMP/ClinGen SVI guidelines.

OMIM
Classification: Pathogenic for SPERMATOGENIC FAILURE 22. Last evaluated: 2024-01-22. Review status: no assertion criteria provided. Collection method: literature only. Allele origin: germline. Not counted in ClinVar's aggregate classification.

Literature cited by the submitters: PubMed 28206990 (cited by Department of Molecular Genetics, Istishari Arab Hospital and OMIM).